The following is an entry in ClinVar:

ClinVar aggregate classification (germline): Pathogenic (1 of 4 stars; one submission).

Submission:

Labcorp Genetics (formerly Invitae), Labcorp
Classification: Pathogenic. Last evaluated: 2021-12-01. Review status: criteria provided, single submitter. Criteria: Invitae Variant Classification Sherloc (09022015). Collection method: clinical testing. Allele origin: germline.
Comment: This variant has not been reported in the literature in individuals affected with SLC39A4-related conditions. ClinVar contains an entry for this variant (Variation ID: 1070005). For these reasons, this variant has been classified as Pathogenic. This sequence change creates a premature translational stop signal (p.Ser225*) in the SLC39A4 gene. It is expected to result in an absent or disrupted protein product. Loss-of-function variants in SLC39A4 are known to be pathogenic (PMID: 12955721). This variant is not present in population databases (gnomAD no frequency).

Literature cited by the submitters: PubMed 12955721.

NM_130849.4(SLC39A4):c.674C>A (p.Ser225Ter)

Gene: SLC39A4 (solute carrier family 39 member 4; minus strand). Cytogenetic location: 8q24.3.
Variant type: single nucleotide variant.
Coding change: c.674C>A on transcript NM_130849.4 (MANE Select); coding-DNA position 674, C replaced by A.
Protein change: p.Ser225Ter; replaces serine 225 with a stop codon.
Molecular consequence: nonsense.
Genome position (GRCh38, 1-based): chr8:144,415,104, G>T on the plus strand (C>A on the coding strand, the complement: SLC39A4 is on the minus strand). VCF-style: chr8-144415104-G-T. GRCh37 (hg19) VCF-style: chr8-145640488-G-T.
Other names: c.392C>A, p.Ser131Ter (NM_001374839.1); c.599C>A, p.Ser200Ter (NM_017767.3); short protein forms S131*, S200*, S225*.
Identifiers: ClinVar variation 1070005 (VCV001070005.5), dbSNP rs1564709862, ClinGen allele CA372623042.